The following is an entry in ClinVar:

NM_052845.4(MMAB):c.422-1G>A

Gene: MMAB (metabolism of cobalamin associated B; minus strand). Cytogenetic location: 12q24.11.
Variant type: single nucleotide variant.
Coding change: c.422-1G>A on transcript NM_052845.4 (MANE Select); the canonical splice acceptor site of the intron before coding-DNA position 422, G replaced by A.
Molecular consequence: splice acceptor variant.
Genome position (GRCh38, 1-based): chr12:109,561,518, C>T on the plus strand (G>A on the coding strand, the complement: MMAB is on the minus strand). VCF-style: chr12-109561518-C-T. GRCh37 (hg19) VCF-style: chr12-109999323-C-T.
Identifiers: ClinVar variation 2755567 (VCV002755567.4), dbSNP rs2136199436, ClinGen allele CA386637612.

ClinVar aggregate classification (germline): Likely pathogenic (1 of 4 stars; one submission).

Conditions:
Methylmalonic aciduria, cblB type (MACB). Also called: Methylmalonic acidemia cblB type; METHYLMALONIC ACIDURIA, VITAMIN B12-RESPONSIVE, DUE TO DEFECT IN SYNTHESIS OF ADENOSYLCOBALAMIN, cblB TYPE; Vitamin B12-responsive methylmalonic acidemia type cblB. Identifiers: Orphanet 28, Orphanet 79311, MedGen C1855102, MONDO:0009614, OMIM 251110.

Submission:

Labcorp Genetics (formerly Invitae), Labcorp
Classification: Likely pathogenic for Methylmalonic aciduria, cblB type. Last evaluated: 2023-11-17. Review status: criteria provided, single submitter. Criteria: Invitae Variant Classification Sherloc (09022015). Collection method: clinical testing. Allele origin: germline.
Comment: This sequence change affects an acceptor splice site in intron 5 of the MMAB gene. It is expected to disrupt RNA splicing. Variants that disrupt the donor or acceptor splice site typically lead to a loss of protein function (PMID: 16199547), and loss-of-function variants in MMAB are known to be pathogenic (PMID: 15781192, 16410054). This variant is not present in population databases (gnomAD no frequency). Disruption of this splice site has been observed in individual(s) with cobalamin B type methylmalonic aciduria (PMID: 34796408). Algorithms developed to predict the effect of sequence changes on RNA splicing suggest that this variant may disrupt the consensus splice site. In summary, the currently available evidence indicates that the variant is pathogenic, but additional data are needed to prove that conclusively. Therefore, this variant has been classified as Likely Pathogenic.

Literature cited by the submitters: PubMed 16199547; PubMed 15781192; PubMed 16410054; PubMed 34796408.